The following is an entry in ClinVar:

ClinVar aggregate classification (germline): Uncertain significance (1 of 4 stars; one submission).

Conditions:
Hereditary cancer-predisposing syndrome. Also called: Tumor predisposition; Neoplastic Syndromes, Hereditary; Hereditary Cancer Syndrome; Hereditary neoplastic syndrome. Identifiers: Orphanet 140162, MedGen C0027672, MeSH D009386, MONDO:0015356.

gnomAD v4.1: 1 of 1,613,860 alleles (0.000062%); highest among the groups gnomAD compares: Non-Finnish European, 0.000085%; no homozygotes.

Submission:

Ambry Genetics
Classification: Uncertain significance for Hereditary cancer-predisposing syndrome. Last evaluated: 2024-12-15. Review status: criteria provided, single submitter. Criteria: Ambry Variant Classification Scheme 2023. Collection method: clinical testing. Allele origin: germline.
Comment: The p.A504S variant (also known as c.1510G>T), located in coding exon 11 of the APC gene, results from a G to T substitution at nucleotide position 1510. The alanine at codon 504 is replaced by serine, an amino acid with similar properties. This amino acid position is conserved. In addition, in silico predictors for this gene do not accurately predict pathogenicity. Based on the available evidence, the clinical significance of this variant remains unclear.

NM_000038.6(APC):c.1510G>T (p.Ala504Ser)

Gene: APC (APC regulator of Wnt signaling pathway; plus strand). Cytogenetic location: 5q22.2.
Variant type: single nucleotide variant.
Coding change: c.1510G>T on transcript NM_000038.6 (MANE Select); coding-DNA position 1510, G replaced by T.
Protein change: p.Ala504Ser; replaces alanine 504 with serine.
Molecular consequence: missense variant.
Genome position (GRCh38, 1-based): chr5:112,827,209, G>T. VCF-style: chr5-112827209-G-T. GRCh37 (hg19) VCF-style: chr5-112162906-G-T.
Other names: c.1510G>T, p.Ala504Ser (NM_001127510.3, NM_001354895.2, NM_001407450.1); c.1456G>T, p.Ala486Ser (NM_001127511.3); c.1564G>T, p.Ala522Ser (NM_001354896.2, NM_001407447.1, NM_001407448.1 and 1 more transcripts); c.1540G>T, p.Ala514Ser (NM_001354897.2); c.1435G>T, p.Ala479Ser (NM_001354898.2); c.1426G>T, p.Ala476Ser (NM_001354899.2); c.1387G>T, p.Ala463Ser (NM_001354900.2); c.1333G>T, p.Ala445Ser (NM_001354901.2, NM_001407453.1); and 11 more; short protein forms A486S, A504S, A344S, A421S, A445S, A463S, A494S, A522S.
Identifiers: ClinVar variation 3881242 (VCV003881242.1).